The following is an entry in ClinVar:

NM_021922.3(FANCE):c.797C>T (p.Ser266Leu)

Gene: FANCE (FA complementation group E; plus strand). Cytogenetic location: 6p21.31.
Variant type: single nucleotide variant.
Coding change: c.797C>T on transcript NM_021922.3 (MANE Select); coding-DNA position 797, C replaced by T.
Protein change: p.Ser266Leu; replaces serine 266 with leucine.
Molecular consequence: missense variant.
Genome position (GRCh38, 1-based): chr6:35,456,295, C>T. VCF-style: chr6-35456295-C-T. GRCh37 (hg19) VCF-style: chr6-35424072-C-T.
Other names: c.797C>T, p.Ser266Leu (NM_001410876.1); short protein forms S266L.
Identifiers: ClinVar variation 1905395 (VCV001905395.2), dbSNP rs1002613212, ClinGen allele CA137295170.

ClinVar aggregate classification (germline): Uncertain significance (1 of 4 stars; one submission).

Conditions:
Fanconi anemia complementation group E (FANCE). Also called: FANCE-Related Fanconi Anemia. Identifiers: Orphanet 84, MedGen C3160739, MONDO:0010953, OMIM 600901.

Allele frequency attached by ClinVar (database versions not stated): TOPMed below 0.00001; gnomAD exomes 0.00001.
gnomAD v4.1: 12 of 1,614,122 alleles (0.00074%); highest among the groups gnomAD compares: South Asian, 0.0022%; no homozygotes.

Submission:

Labcorp Genetics (formerly Invitae), Labcorp
Classification: Uncertain significance for Fanconi anemia complementation group E. Last evaluated: 2022-01-04. Review status: criteria provided, single submitter. Criteria: Invitae Variant Classification Sherloc (09022015). Collection method: clinical testing. Allele origin: germline.
Comment: This sequence change replaces serine, which is neutral and polar, with leucine, which is neutral and non-polar, at codon 266 of the FANCE protein (p.Ser266Leu). This variant is present in population databases (no rsID available, gnomAD 0.003%). This variant has not been reported in the literature in individuals affected with FANCE-related conditions. Algorithms developed to predict the effect of missense changes on protein structure and function (SIFT, PolyPhen-2, Align-GVGD) all suggest that this variant is likely to be tolerated. In summary, the available evidence is currently insufficient to determine the role of this variant in disease. Therefore, it has been classified as a Variant of Uncertain Significance.